The following is an entry in ClinVar:

NM_001853.4(COL9A3):c.983G>A (p.Gly328Glu)

Gene: COL9A3 (collagen type IX alpha 3 chain; plus strand). Cytogenetic location: 20q13.33.
Variant type: single nucleotide variant.
Coding change: c.983G>A on transcript NM_001853.4 (MANE Select); coding-DNA position 983, G replaced by A.
Protein change: p.Gly328Glu; replaces glycine 328 with glutamic acid.
Molecular consequence: missense variant.
Genome position (GRCh38, 1-based): chr20:62,828,951, G>A. VCF-style: chr20-62828951-G-A. GRCh37 (hg19) VCF-style: chr20-61460303-G-A.
Other names: short protein forms G328E.
Identifiers: ClinVar variation 1328756 (VCV001328756.3), dbSNP rs1289354615, ClinGen allele CA409593187.

ClinVar aggregate classification (germline): Uncertain significance (1 of 4 stars; one submission).

Allele frequency attached by ClinVar (database versions not stated): gnomAD exomes below 0.00001.
gnomAD v4.1: 1 of 1,610,696 alleles (0.000062%); highest among the groups gnomAD compares: African/African-American, 0.0013%; no homozygotes.

Submission:

GeneDx
Classification: Uncertain significance. Last evaluated: 2025-05-20. Review status: criteria provided, single submitter. Criteria: GeneDx Variant Classification Process June 2021. Collection method: clinical testing. Allele origin: germline. Affected: yes.
Comment: Not observed at significant frequency in large population cohorts (gnomAD); In silico analysis supports that this missense variant has a deleterious effect on protein structure/function; Has not been previously published as pathogenic or benign to our knowledge